The following is an entry in ClinVar:

ClinVar aggregate classification (germline): Likely pathogenic. Review status: criteria provided, multiple submitters, no conflicts (2 of 4 stars). 2 submissions from 2 submitters: Likely pathogenic (2). Last evaluated 2024-03-27.

Conditions:
Primary ciliary dyskinesia. Also called: Ciliary dyskinesia. Identifiers: Orphanet 244, MedGen C0008780, MONDO:0016575, HP:0012265.
Primary ciliary dyskinesia 3. Identifiers: Orphanet 244, MedGen C1837618, MONDO:0012085, OMIM 608644.

Allele frequency attached by ClinVar (database versions not stated): gnomAD exomes below 0.00001.
gnomAD v4.1: 1 of 1,550,204 alleles (0.000065%); highest among the groups gnomAD compares: African/African-American, 0.0014%; no homozygotes.

Submissions (2):

Fulgent Genetics
Classification: Likely pathogenic for Primary ciliary dyskinesia 3. Last evaluated: 2024-03-27. Review status: criteria provided, single submitter. Criteria: ACMG Guidelines, 2015. Collection method: clinical testing. Allele origin: germline.

Labcorp Genetics (formerly Invitae), Labcorp
Classification: Likely pathogenic for Primary ciliary dyskinesia. Last evaluated: 2022-05-05. Review status: criteria provided, single submitter. Criteria: Invitae Variant Classification Sherloc (09022015). Collection method: clinical testing. Allele origin: germline.
Comment: This sequence change affects an acceptor splice site in intron 44 of the DNAH5 gene. It is expected to disrupt RNA splicing. Variants that disrupt the donor or acceptor splice site typically lead to a loss of protein function (PMID: 16199547), and loss-of-function variants in DNAH5 are known to be pathogenic (PMID: 11788826, 16627867). In summary, the currently available evidence indicates that the variant is pathogenic, but additional data are needed to prove that conclusively. Therefore, this variant has been classified as Likely Pathogenic. Algorithms developed to predict the effect of sequence changes on RNA splicing suggest that this variant may disrupt the consensus splice site. This variant has not been reported in the literature in individuals affected with DNAH5-related conditions. This variant is not present in population databases (gnomAD no frequency).

Literature cited by the submitters: PubMed 16199547 (cited by Labcorp Genetics (formerly Invitae), Labcorp); PubMed 11788826 (cited by Labcorp Genetics (formerly Invitae), Labcorp); PubMed 16627867 (cited by Labcorp Genetics (formerly Invitae), Labcorp).

NM_001369.3(DNAH5):c.7408-1G>A

Gene: DNAH5 (dynein axonemal heavy chain 5; minus strand). Cytogenetic location: 5p15.2.
Variant type: single nucleotide variant.
Coding change: c.7408-1G>A on transcript NM_001369.3 (MANE Select); the canonical splice acceptor site of the intron before coding-DNA position 7408, G replaced by A.
Molecular consequence: splice acceptor variant.
Genome position (GRCh38, 1-based): chr5:13,810,261, C>T on the plus strand (G>A on the coding strand, the complement: DNAH5 is on the minus strand). VCF-style: chr5-13810261-C-T. GRCh37 (hg19) VCF-style: chr5-13810370-C-T.
Identifiers: ClinVar variation 2118357 (VCV002118357.6), dbSNP rs2546807137, ClinGen allele CA359232565.
Genomic context (GRCh38, chr5:13,810,261, plus strand): 5'-CAGCAGCGCGAACACGAACAGCCGCCCCAGGTGAGCCTGGCTCACCTCCCCGCCTTGCTC[C>T]TGAGAAGGAAAGACACTTTTTTTTAATAACTTGATTCTGAAACCCAAACGTTGCTCTAGG-3'